The following is an entry in ClinVar:

NM_000465.4(BARD1):c.463A>C (p.Arg155=)

Gene: BARD1 (BRCA1 associated RING domain 1; minus strand). Cytogenetic location: 2q35.
Variant type: single nucleotide variant.
Coding change: c.463A>C on transcript NM_000465.4 (MANE Select); coding-DNA position 463, A replaced by C.
Protein change: p.Arg155=; no amino-acid change (arginine 155 retained).
Molecular consequence: synonymous variant. On other transcripts: intron variant (3), non-coding transcript variant (2).
Genome position (GRCh38, 1-based): chr2:214,781,411, T>G on the plus strand (A>C on the coding strand, the complement: BARD1 is on the minus strand). VCF-style: chr2-214781411-T-G. GRCh37 (hg19) VCF-style: chr2-215646135-T-G.
Other names: c.215+15650A>C (NM_001282545.2); c.364+10886A>C (NM_001282549.2); c.406A>C, p.Arg136= (NM_001282543.2); c.158+28001A>C (NM_001282548.2).
Identifiers: ClinVar variation 2833634 (VCV002833634.3), dbSNP rs1553622669, ClinGen allele CA431136080.
Genomic context (GRCh38, chr2:214,781,411, plus strand): 5'-CACTTGCATCTTTTTTTATTGCAGGCTGGGTTTGCACTGAAGCTTTACTCACAACATATC[T>G]GACTTTCTTACTTCGAGGGCTAAACCACATTTTAATTGAATTCTTCTTGTTTCCTGCATC-3'
Protein context (NP_000456.2, residues 145-165): MWFSPRSKKV[Arg155=]YVVSKASVQT

ClinVar aggregate classification (germline): Uncertain significance (1 of 4 stars; one submission).

Conditions:
Familial cancer of breast. Also called: hereditary breast carcinoma; BREAST CANCER, FAMILIAL; Hereditary breast cancer. Identifiers: Orphanet 227535, MedGen C0346153, MONDO:0016419, OMIM 114480. Disease mechanism: loss of function.

Submission:

Labcorp Genetics (formerly Invitae), Labcorp
Classification: Uncertain significance for Familial cancer of breast. Last evaluated: 2023-02-01. Review status: criteria provided, single submitter. Criteria: Invitae Variant Classification Sherloc (09022015). Collection method: clinical testing. Allele origin: germline.
Comment: This sequence change affects codon 155 of the BARD1 mRNA. It is a 'silent' change, meaning that it does not change the encoded amino acid sequence of the BARD1 protein. This variant is not present in population databases (gnomAD no frequency). This variant has not been reported in the literature in individuals affected with BARD1-related conditions. Algorithms developed to predict the effect of sequence changes on RNA splicing suggest that this variant may create or strengthen a splice site. In summary, the available evidence is currently insufficient to determine the role of this variant in disease. Therefore, it has been classified as a Variant of Uncertain Significance.